The following is an entry in ClinVar:

NM_000059.4(BRCA2):c.1362del (p.Lys454fs)

Gene: BRCA2 (BRCA2 DNA repair associated; plus strand). Cytogenetic location: 13q13.1.
Variant type: Deletion.
Coding change: c.1362del on transcript NM_000059.4 (MANE Select); coding-DNA position 1362, one base deleted (A; older notation c.1362delA).
Protein change: p.Lys454fs; shifts the reading frame from lysine 454.
Molecular consequence: frameshift variant.
Genome position (GRCh38, 1-based): chr13:32,332,840, A deleted; the last of 4 consecutive A bases (chr13:32,332,837-32,332,840); deleting any one gives the same sequence. VCF-style (leftmost placement, unchanged base first): chr13-32332836-CA-C. GRCh37 (hg19) VCF-style: chr13-32906973-CA-C.
Other names: 1590delA; c.1362delA (NM_000059.3).
Identifiers: ClinVar variation 51109 (VCV000051109.26), dbSNP rs80359282, ClinGen allele CA011766.

ClinVar aggregate classification (germline): Pathogenic. Review status: reviewed by expert panel (3 of 4 stars). 13 submissions from 12 submitters: Pathogenic (1). 12 of the submissions do not count toward it. Last evaluated 2016-10-18.

Conditions:
Hereditary breast ovarian cancer syndrome. Also called: Hereditary breast and ovarian cancer syndrome; Hereditary breast and ovarian cancer; Hereditary breast and ovarian cancer syndrome (HBOC); Breast and ovarian cancer; Hereditary breast and/or ovarian cancer syndrome; BRCA1- and BRCA2-Associated Hereditary Breast and Ovarian Cancer. Identifiers: Orphanet 145, MedGen C0677776, MeSH D061325, MONDO:0003582. Disease mechanism: loss of function.
Breast-ovarian cancer, familial, susceptibility to, 2 (BROVCA2). Also called: BRCA2 Hereditary Breast and Ovarian Cancer. Identifiers: Orphanet 145, MedGen C2675520, MONDO:0012933, OMIM 612555. Disease mechanism: loss of function.
Inherited ovarian cancer (without breast cancer).
Inherited breast cancer and ovarian cancer.
Hereditary cancer-predisposing syndrome. Also called: Neoplastic Syndromes, Hereditary; Tumor predisposition; Hereditary Cancer Syndrome; Hereditary neoplastic syndrome. Identifiers: Orphanet 140162, MedGen C0027672, MeSH D009386, MONDO:0015356.

Submissions (13):

Evidence-based Network for the Interpretation of Germline Mutant Alleles (ENIGMA)
Classification: Pathogenic for Breast-ovarian cancer, familial, susceptibility to, 2. Last evaluated: 2016-10-18. Review status: reviewed by expert panel. Criteria: ENIGMA BRCA1/2 Classification Criteria (2015). Collection method: curation. Allele origin: germline.
Comment: Variant allele predicted to encode a truncated non-functional protein.

Cambridge Genomics Laboratory, East Genomic Laboratory Hub, NHS Genomic Medicine Service
Classification: Pathogenic for Inherited ovarian cancer (without breast cancer). Last evaluated: 2025-06-16. Review status: criteria provided, single submitter. Criteria: ACGS Best Practice Guidelines for Variant Classification in Rare Disease 2020. Collection method: clinical testing. Allele origin: germline. Affected: yes. Not counted in ClinVar's aggregate classification.
Comment: PVS1,PM2_Supporting,PM5_Strong

Labcorp Genetics (formerly Invitae), Labcorp
Classification: Pathogenic for Hereditary breast ovarian cancer syndrome. Last evaluated: 2025-06-02. Review status: criteria provided, single submitter. Criteria: Invitae Variant Classification Sherloc (09022015). Collection method: clinical testing. Allele origin: germline. Not counted in ClinVar's aggregate classification.
Comment: This sequence change creates a premature translational stop signal (p.Lys454Asnfs*6) in the BRCA2 gene. It is expected to result in an absent or disrupted protein product. Loss-of-function variants in BRCA2 are known to be pathogenic (PMID: 20104584). This variant is not present in population databases (gnomAD no frequency). This premature translational stop signal has been observed in individual(s) with breast cancer (PMID: 22034289). This variant is also known as 1590delA. ClinVar contains an entry for this variant (Variation ID: 51109). For these reasons, this variant has been classified as Pathogenic.

Women's Health and Genetics/Laboratory Corporation of America, LabCorp
Classification: Pathogenic for Hereditary breast ovarian cancer syndrome. Last evaluated: 2025-01-06. Review status: criteria provided, single submitter. Criteria: LabCorp Variant Classification Summary - May 2015. Collection method: clinical testing. Allele origin: germline. Not counted in ClinVar's aggregate classification.
Comment: Variant summary: BRCA2 c.1362delA (p.Lys454AsnfsX6; also described as 1590delA in the literature) results in a premature termination codon, predicted to cause a truncation of the encoded protein or absence of the protein due to nonsense mediated decay, which are commonly known mechanisms for disease. The variant was absent in 247524 control chromosomes (gnomAD). c.1362delA has been reported in the literature in at least an individual affected with breast cancer (example: Fackenthal_2012). The following publication has been ascertained in the context of this evaluation (PMID: 22034289). ClinVar contains an entry for this variant (Variation ID: 51109). Based on the evidence outlined above, the variant was classified as pathogenic.

Genomics and Molecular Medicine Service, East Genomic Laboratory Hub, NHS Genomic Medicine Service
Classification: Pathogenic for Inherited breast cancer and ovarian cancer. Last evaluated: 2024-11-19. Review status: criteria provided, single submitter. Criteria: ACGS Best Practice Guidelines for Variant Classification in Rare Disease 2020. Collection method: clinical testing. Allele origin: germline. Affected: yes. Not counted in ClinVar's aggregate classification.
Comment: PVS1,PM5_Strong

Cambridge Genomics Laboratory, East Genomic Laboratory Hub, NHS Genomic Medicine Service
Classification: Pathogenic for Inherited breast cancer and ovarian cancer. Last evaluated: 2024-07-10. Review status: criteria provided, single submitter. Criteria: ACGS Best Practice Guidelines for Variant Classification in Rare Disease 2020. Collection method: clinical testing. Allele origin: germline. Affected: yes. Not counted in ClinVar's aggregate classification.
Comment: the same text as in the submission from Cambridge Genomics Laboratory, East Genomic Laboratory Hub, NHS Genomic Medicine Service above.

Ambry Genetics
Classification: Pathogenic for Hereditary cancer-predisposing syndrome. Last evaluated: 2023-08-22. Review status: criteria provided, single submitter. Criteria: Ambry Variant Classification Scheme 2023. Collection method: clinical testing. Allele origin: germline. Not counted in ClinVar's aggregate classification.
Comment: The c.1362delA pathogenic mutation, located in coding exon 9 of the BRCA2 gene, results from a deletion of one nucleotide at nucleotide position 1362, causing a translational frameshift with a predicted alternate stop codon (p.K454Nfs*6). In addition to the clinical data presented in the literature, this alteration is expected to result in loss of function by premature protein truncation or nonsense-mediated mRNA decay. As such, this alteration is interpreted as a disease-causing mutation.

Genetics and Molecular Pathology, SA Pathology
Classification: Pathogenic for Breast-ovarian cancer, familial, susceptibility to, 2. Last evaluated: 2022-05-11. Review status: criteria provided, single submitter. Criteria: ACMG Guidelines, 2015. Collection method: clinical testing. Allele origin: germline. Affected: yes. Not counted in ClinVar's aggregate classification.
Comment: The BRCA2 c.1362del variant is classified as Pathogenic (PVS1, PS4_Supporting, PM2) This BRCA2 c.1362del variant is located in exon 10/27 and is predicted to cause a shift in the reading frame at codon 454. BRCA2:c.1362del has been reported in an individual with breast cancer (Fackenthal et al., 2012 PMID:22034289). (PS4_Supporting). This variant is absent from population databases (PM2). BRCA2:c.1362del (rs397507582) is absent from population databases and is not on record in FLOSSIES. BRCA2:c.1362del has been reported in an individual with breast cancer (Fackenthal et al., 2012 PMID:22034289). The variant has been reported in dbSNP (rs80359282) and has been reported as Pathogenic by other diagnostic laboratories (ClinVar Variation ID: 51109). It has not been reported in HGMD.

GeneDx
Classification: Pathogenic. Last evaluated: 2020-11-27. Review status: criteria provided, single submitter. Criteria: GeneDx Variant Classification Process June 2021. Collection method: clinical testing. Allele origin: germline. Affected: yes. Not counted in ClinVar's aggregate classification.
Comment: Frameshift variant predicted to result in protein truncation or nonsense mediated decay in a gene for which loss-of-function is a known mechanism of disease; Not observed in large population cohorts (Lek 2016); Truncating variants in this gene are considered pathogenic by a well-established clinical consortium and/or database; Also known as 1590delA; Observed in individuals with BRCA2-related cancers (Fackenthal 2012); This variant is associated with the following publications: (PMID: 22034289, 31060517)

Laboratory for Molecular Medicine, Mass General Brigham Personalized Medicine
Classification: Likely pathogenic for Hereditary breast ovarian cancer syndrome. Last evaluated: 2019-05-28. Review status: criteria provided, single submitter. Criteria: ACMG Guidelines, 2015. Collection method: clinical testing. Allele origin: germline. Inheritance: Autosomal dominant inheritance. Not counted in ClinVar's aggregate classification.
Comment: The p.Lys454AsnfsX6 variant in BRCA2 has been reported in 1 individual with breast cancer (Fackenthal 2012). Additionally, it was classified as Pathogenic on Oct. 18, 2016 by the ClinGen-approved ENIGMA expert panel (Variation ID: 51109). This variant was absent from large population studies. The p.Lys454AsnfsX6 variant is predicted to cause a frameshift, which alters the protein’s amino acid sequence beginning at position 454 and leads to a premature termination codon 6 amino acids downstream. This alteration is then predicted to lead to a truncated or absent protein. Loss of function of the BRCA2 gene is an established disease mechanism in autosomal dominant hereditary breast and ovarian cancer syndrome (HBOC). In summary, although additional studies are required to fully establish its clinical significance, this variant meets criteria to be classified as likely pathogenic for autosomal dominant HBOC. ACMG/AMP Criteria applied: PVS1, PM2.

Quest Diagnostics Nichols Institute San Juan Capistrano
Classification: Pathogenic for Breast-ovarian cancer, familial, susceptibility to, 2. Last evaluated: 2016-02-20. Review status: criteria provided, single submitter. Criteria: Quest Diagnostics criteria. Collection method: clinical testing. Allele origin: germline. Inheritance: Autosomal dominant inheritance. Not counted in ClinVar's aggregate classification.

Consortium of Investigators of Modifiers of BRCA1/2 (CIMBA), c/o University of Cambridge
Classification: Pathogenic for Breast-ovarian cancer, familial, susceptibility to, 2. Last evaluated: 2015-10-02. Review status: criteria provided, single submitter. Criteria: CIMBA Mutation Classification guidelines May 2016. Collection method: clinical testing. Allele origin: germline. Not counted in ClinVar's aggregate classification.

Research Molecular Genetics Laboratory, Women's College Hospital, University of Toronto
Classification: Pathogenic for Hereditary breast ovarian cancer syndrome. Last evaluated: 2014-01-31. Review status: no assertion criteria provided. Collection method: research. Allele origin: germline. Affected: yes. Study: The Canadian Open Genetics Repository (COGR). Not counted in ClinVar's aggregate classification.

Literature cited by the submitters: PubMed 20104584 (cited by Labcorp Genetics (formerly Invitae), Labcorp); PubMed 22034289 (cited by 6 submitters); PubMed 26295337 (cited by Quest Diagnostics Nichols Institute San Juan Capistrano).